The following is an entry in ClinVar:

ClinVar aggregate classification (germline): Uncertain significance. Review status: criteria provided, multiple submitters, no conflicts (2 of 4 stars). 3 submissions from 3 submitters: Uncertain significance (3). Last evaluated 2024-09-05.

Conditions:
Spastic paraplegia. Identifiers: MedGen C0037772, HP:0001258.
Intellectual disability. Also called: Intellectual functioning disability; Intellectual developmental disorder; intellectual disabilities. Identifiers: MedGen C3714756, MeSH D008607, MONDO:0001071, HP:0001249.

Allele frequency attached by ClinVar (database versions not stated): gnomAD exomes below 0.00001.
gnomAD v4.1: 8 of 1,209,977 alleles (0.00066%); highest among the groups gnomAD compares: Middle Eastern, 0.023%; no homozygotes.

Submissions (3):

Labcorp Genetics (formerly Invitae), Labcorp
Classification: Uncertain significance for Spastic paraplegia. Last evaluated: 2024-09-05. Review status: criteria provided, single submitter. Criteria: Invitae Variant Classification Sherloc (09022015). Collection method: clinical testing. Allele origin: germline.
Comment: This sequence change replaces alanine, which is neutral and non-polar, with threonine, which is neutral and polar, at codon 1330 of the KDM5C protein (p.Ala1330Thr). This variant is not present in population databases (gnomAD no frequency). This variant has not been reported in the literature in individuals affected with KDM5C-related conditions. ClinVar contains an entry for this variant (Variation ID: 810609). Invitae Evidence Modeling of protein sequence and biophysical properties (such as structural, functional, and spatial information, amino acid conservation, physicochemical variation, residue mobility, and thermodynamic stability) indicates that this missense variant is not expected to disrupt KDM5C protein function with a negative predictive value of 95%. In summary, the available evidence is currently insufficient to determine the role of this variant in disease. Therefore, it has been classified as a Variant of Uncertain Significance.

Cambridge Genomics Laboratory, East Genomic Laboratory Hub, NHS Genomic Medicine Service
Classification: Uncertain significance for Intellectual disability. Last evaluated: 2020-03-18. Review status: criteria provided, single submitter. Criteria: ACGS Best Practice Guidelines for Variant Classification in Rare Disease 2020. Collection method: clinical testing. Allele origin: germline. Affected: yes. Observed: 1 variant allele.

CeGaT Center for Human Genetics Tuebingen
Classification: Uncertain significance. Last evaluated: 2018-09-01. Review status: criteria provided, single submitter. Criteria: CeGaT Center For Human Genetics Tuebingen Variant Classification Criteria Version 2. Collection method: clinical testing. Allele origin: germline. Affected: yes. Observed: 1 variant allele.

NM_004187.5(KDM5C):c.3988G>A (p.Ala1330Thr)

Gene: KDM5C (lysine demethylase 5C; minus strand). Cytogenetic location: Xp11.22.
Variant type: single nucleotide variant.
Coding change: c.3988G>A on transcript NM_004187.5 (MANE Select); coding-DNA position 3988, G replaced by A.
Protein change: p.Ala1330Thr; replaces alanine 1330 with threonine.
Molecular consequence: missense variant. On other transcripts: non-coding transcript variant (3).
Genome position (GRCh38, 1-based): chrX:53,194,189, C>T on the plus strand (G>A on the coding strand, the complement: KDM5C is on the minus strand). VCF-style: chrX-53194189-C-T. GRCh37 (hg19) VCF-style: chrX-53223371-C-T.
Other names: c.3787G>A, p.Ala1263Thr (NM_001146702.2); c.3985G>A, p.Ala1329Thr (NM_001282622.3, NM_001353979.2, NM_001353982.2); c.3988G>A, p.Ala1330Thr (NM_001353978.3, NM_001353981.2, NM_001353984.2); short protein forms A1329T, A1263T, A1330T.
Identifiers: ClinVar variation 810609 (VCV000810609.46), dbSNP rs1602160910, ClinGen allele CA413106018.